The following is an entry in ClinVar:

ClinVar aggregate classification (germline): Uncertain significance. Review status: criteria provided, multiple submitters, no conflicts (2 of 4 stars). 3 submissions from 3 submitters: Uncertain significance (3). Last evaluated 2025-04-10.

Conditions:
Cardiovascular phenotype. Identifiers: MedGen CN230736.
Alagille syndrome due to a JAG1 point mutation. Also called: JAG1-Related Alagille Syndrome; HEPATIC DUCTULAR HYPOPLASIA, SYNDROMATIC; Alagille Syndrome 1. Identifiers: Orphanet 261619, Orphanet 52, MedGen C1956125, MONDO:0016862, OMIM 118450.

Allele frequency attached by ClinVar (database versions not stated): TOPMed 0.00001.
gnomAD v4.1: 19 of 1,612,698 alleles (0.0012%); highest among the groups gnomAD compares: Non-Finnish European, 0.0016%; no homozygotes.

Submissions (3):

GeneDx
Classification: Uncertain significance. Last evaluated: 2025-04-10. Review status: criteria provided, single submitter. Criteria: GeneDx Variant Classification Process June 2021. Collection method: clinical testing. Allele origin: germline. Affected: yes.
Comment: Not observed at significant frequency in large population cohorts (gnomAD); In silico analysis supports that this missense variant has a deleterious effect on protein structure/function; Has not been previously published as pathogenic or benign to our knowledge

Ambry Genetics
Classification: Uncertain significance for Cardiovascular phenotype. Last evaluated: 2024-05-02. Review status: criteria provided, single submitter. Criteria: Ambry Variant Classification Scheme 2023. Collection method: clinical testing. Allele origin: germline.
Comment: The p.P440S variant (also known as c.1318C>T), located in coding exon 10 of the JAG1 gene, results from a C to T substitution at nucleotide position 1318. The proline at codon 440 is replaced by serine, an amino acid with similar properties. This amino acid position is conserved. In addition, the in silico prediction for this alteration is inconclusive. Based on the available evidence, the clinical significance of this variant remains unclear.

Labcorp Genetics (formerly Invitae), Labcorp
Classification: Uncertain significance for Alagille syndrome due to a JAG1 point mutation. Last evaluated: 2021-08-05. Review status: criteria provided, single submitter. Criteria: Invitae Variant Classification Sherloc (09022015). Collection method: clinical testing. Allele origin: germline.
Comment: This sequence change replaces proline with serine at codon 440 of the JAG1 protein (p.Pro440Ser). The proline residue is highly conserved and there is a moderate physicochemical difference between proline and serine. This variant is not present in population databases (ExAC no frequency). This variant has not been reported in the literature in individuals with JAG1-related conditions. Algorithms developed to predict the effect of missense changes on protein structure and function are either unavailable or do not agree on the potential impact of this missense change (SIFT: "Tolerated"; PolyPhen-2: "Benign"; Align-GVGD: "Class C15"). In summary, the available evidence is currently insufficient to determine the role of this variant in disease. Therefore, it has been classified as a Variant of Uncertain Significance.

NM_000214.3(JAG1):c.1318C>T (p.Pro440Ser)

Gene: JAG1 (jagged canonical Notch ligand 1; minus strand). Cytogenetic location: 20p12.2.
Variant type: single nucleotide variant.
Coding change: c.1318C>T on transcript NM_000214.3 (MANE Select); coding-DNA position 1318, C replaced by T.
Protein change: p.Pro440Ser; replaces proline 440 with serine.
Molecular consequence: missense variant.
Genome position (GRCh38, 1-based): chr20:10,649,552, G>A on the plus strand (C>T on the coding strand, the complement: JAG1 is on the minus strand). VCF-style: chr20-10649552-G-A. GRCh37 (hg19) VCF-style: chr20-10630200-G-A.
Other names: c.1318C>T, p.Pro440Ser (LRG_1191t1); short protein forms P440S.
Identifiers: ClinVar variation 662907 (VCV000662907.10), dbSNP rs1187579730, ClinGen allele CA408238153.